The following is an entry in ClinVar:

NM_004612.4(TGFBR1):c.343+5G>C

Gene: TGFBR1 (transforming growth factor beta receptor 1; plus strand). Cytogenetic location: 9q22.33.
Variant type: single nucleotide variant.
Coding change: c.343+5G>C on transcript NM_004612.4 (MANE Select); 5 bases into the intron after coding-DNA position 343, G replaced by C.
Molecular consequence: intron variant.
Genome position (GRCh38, 1-based): chr9:99,129,105, G>C. VCF-style: chr9-99129105-G-C. GRCh37 (hg19) VCF-style: chr9-101891387-G-C.
Other names: c.343+5G>C (NM_001306210.2, NM_001130916.3).
Identifiers: ClinVar variation 1482412 (VCV001482412.6), dbSNP rs2118576878, ClinGen allele CA2573144939.

ClinVar aggregate classification (germline): Uncertain significance (1 of 4 stars; one submission).

Conditions:
Familial thoracic aortic aneurysm and aortic dissection (TAAD). Also called: Thoracic aortic aneurysms and dissections. Identifiers: Orphanet 91387, MedGen C4707243, MONDO:0019625.

Submission:

Labcorp Genetics (formerly Invitae), Labcorp
Classification: Uncertain significance for Familial thoracic aortic aneurysm and aortic dissection. Last evaluated: 2021-07-24. Review status: criteria provided, single submitter. Criteria: Invitae Variant Classification Sherloc (09022015). Collection method: clinical testing. Allele origin: germline.
Comment: This variant is not present in population databases (ExAC no frequency). This sequence change falls in intron 2 of the TGFBR1 gene. It does not directly change the encoded amino acid sequence of the TGFBR1 protein. It affects a nucleotide within the consensus splice site of the intron. This variant has not been reported in the literature in individuals affected with TGFBR1-related conditions. In summary, the available evidence is currently insufficient to determine the role of this variant in disease. Therefore, it has been classified as a Variant of Uncertain Significance. Nucleotide substitutions within the consensus splice site are a relatively common cause of aberrant splicing (PMID: 17576681, 9536098). Algorithms developed to predict the effect of sequence changes on RNA splicing suggest that this variant may disrupt the consensus splice site.

Literature cited by the submitters: PubMed 17576681; PubMed 9536098.